The following is an entry in ClinVar:

ClinVar aggregate classification (germline): Pathogenic (1 of 4 stars; one submission).

Conditions:
Radio-Tartaglia syndrome. Identifiers: Orphanet 662234, MedGen C5543339, MONDO:0859143, OMIM 619312.

Submission:

Women's Health and Genetics/Laboratory Corporation of America, LabCorp
Classification: Pathogenic for Radio-Tartaglia syndrome. Last evaluated: 2023-10-16. Review status: criteria provided, single submitter. Criteria: LabCorp Variant Classification Summary - May 2015. Collection method: clinical testing. Allele origin: germline.
Comment: Variant summary: SPEN c.9008C>A (p.Ser3003X) results in a premature termination codon, predicted to cause absence of the protein due to nonsense mediated decay, which is a commonly known mechanism for disease. The variant was absent in 251268 control chromosomes (gnomAD). To our knowledge, no occurrence of c.9008C>A in individuals affected with Radio-Tartaglia Syndrome and no experimental evidence demonstrating its impact on protein function have been reported. No submitters have cited clinical-significance assessments for this variant to ClinVar after 2014. Based on the evidence outlined above, the variant was classified as pathogenic.

NM_015001.3(SPEN):c.9008C>A (p.Ser3003Ter)

Gene: SPEN (spen family transcriptional repressor; plus strand). Cytogenetic location: 1p36.13.
Variant type: single nucleotide variant.
Coding change: c.9008C>A on transcript NM_015001.3 (MANE Select); coding-DNA position 9008, C replaced by A.
Protein change: p.Ser3003Ter; replaces serine 3003 with a stop codon.
Molecular consequence: nonsense.
Genome position (GRCh38, 1-based): chr1:15,935,248, C>A. VCF-style: chr1-15935248-C-A. GRCh37 (hg19) VCF-style: chr1-16261743-C-A.
Other names: short protein forms S3003*.
Identifiers: ClinVar variation 2637757 (VCV002637757.1), dbSNP rs1386910185, ClinGen allele CA338651945.